The following is an entry in ClinVar:

ClinVar aggregate classification (germline): Uncertain significance (1 of 4 stars; one submission).

Submission:

Women's Health and Genetics/Laboratory Corporation of America, LabCorp
Classification: Uncertain significance. Last evaluated: 2025-04-21. Review status: criteria provided, single submitter. Criteria: LabCorp Variant Classification Summary - May 2015. Collection method: clinical testing. Allele origin: germline.
Comment: Variant summary: ABCA3 c.2879T>C (p.Leu960Ser) results in a non-conservative amino acid change located in the ABC-2 type transporter, transmembrane domain (IPR013525) of the encoded protein sequence. Five of five in-silico tools predict a damaging effect of the variant on protein function. The variant was absent in 243276 control chromosomes. The available data on variant occurrences in the general population are insufficient to allow any conclusion about variant significance. c.2879T>C has been observed in a compound heterozygous individual affected with Pulmonary surfactant metabolism dysfunction (Doan_2008). These data do not allow any conclusion about variant significance. To our knowledge, no experimental evidence demonstrating an impact on protein function has been reported. The following publication have been ascertained in the context of this evaluation (PMID: 18024538). No submitters have cited clinical-significance assessments for this variant to ClinVar. Based on the evidence outlined above, the variant was classified as uncertain significance.

Literature cited by the submitters: PubMed 18024538.

NM_001089.3(ABCA3):c.2879T>C (p.Leu960Ser)

Gene: ABCA3 (ATP binding cassette subfamily A member 3; minus strand). Cytogenetic location: 16p13.3.
Variant type: single nucleotide variant.
Coding change: c.2879T>C on transcript NM_001089.3 (MANE Select); coding-DNA position 2879, T replaced by C.
Protein change: p.Leu960Ser; replaces leucine 960 with serine.
Molecular consequence: missense variant.
Genome position (GRCh38, 1-based): chr16:2,288,151, A>G on the plus strand (T>C on the coding strand, the complement: ABCA3 is on the minus strand). VCF-style: chr16-2288151-A-G. GRCh37 (hg19) VCF-style: chr16-2338152-A-G.
Other names: short protein forms L960S.
Identifiers: ClinVar variation 3896153 (VCV003896153.2).